The following is an entry in ClinVar:

ClinVar aggregate classification (germline): Benign/Likely benign. Review status: criteria provided, multiple submitters, no conflicts (2 of 4 stars). 11 submissions from 10 submitters: Benign (4); Likely benign (7). Last evaluated 2026-02-02.

Conditions:
Autosomal dominant cerebellar ataxia. Also called: Spinocerebellar Ataxia, Dominant. Identifiers: Orphanet 99, MedGen C4087347, MONDO:0020380.
Charcot-Marie-Tooth disease. Also called: Charcot-Marie-Tooth Hereditary Neuropathy; Charcot-Marie-Tooth Neuropathy. Identifiers: Orphanet 166, MedGen C0007959, MONDO:0015626.
Charcot-Marie-Tooth disease axonal type 2O. Also called: Charcot-Marie-Tooth disease, axonal, type 20; CHARCOT-MARIE-TOOTH NEUROPATHY, AXONAL, TYPE 2O; CHARCOT-MARIE-TOOTH DISEASE, AXONAL, AUTOSOMAL DOMINANT, TYPE 2O; Charcot-Marie-Tooth Neuropathy Type 2O. Identifiers: Orphanet 284232, MedGen C3280220, MONDO:0013644, OMIM 614228.
Autosomal dominant childhood-onset proximal spinal muscular atrophy without contractures. Also called: KUGELBERG-WELANDER SYNDROME, AUTOSOMAL DOMINANT; SPINAL MUSCULAR ATROPHY, CHILDHOOD, PROXIMAL, AUTOSOMAL DOMINANT; Spinal muscular atrophy, lower extremity-predominant 1, AD; SPINAL MUSCULAR ATROPHY, JUVENILE, PROXIMAL, AUTOSOMAL DOMINANT. Identifiers: Orphanet 209341, Orphanet 363447, MedGen C5780022, MONDO:0008026, OMIM 158600.
Cortical dysplasia, complex, with other brain malformations 13. Also called: Intellectual disability, autosomal dominant 13. Identifiers: MedGen C3281202, MONDO:0013805, OMIM 614563.
Inborn genetic diseases. Identifiers: MedGen C0950123, MeSH D030342.

Allele frequency attached by ClinVar (database versions not stated): ESP Exome Variant Server 0.00008; gnomAD exomes 0.00018 and 0.00067; gnomAD 0.00035 and 0.00040; TOPMed 0.00049; ExAC 0.00062; 1000 Genomes Project 30x 0.00125; 1000 Genomes Project 0.00140.
gnomAD v4.1: 362 of 1,614,010 alleles (0.022%); highest among the groups gnomAD compares: East Asian, 0.4%; 1 homozygote.

Submissions (11):

Labcorp Genetics (formerly Invitae), Labcorp
Classification: Benign for Charcot-Marie-Tooth disease axonal type 2O. Last evaluated: 2026-02-02. Review status: criteria provided, single submitter. Criteria: Invitae Variant Classification Sherloc (09022015). Collection method: clinical testing. Allele origin: germline.

CeGaT Center for Human Genetics Tuebingen
Classification: Likely benign. Last evaluated: 2025-10-01. Review status: criteria provided, single submitter. Criteria: CeGaT Center For Human Genetics Tuebingen Variant Classification Criteria Version 2. Collection method: clinical testing. Allele origin: germline. Affected: yes. Observed: 1 variant allele.
Comment: DYNC1H1: BS1

Blueprint Genetics
Classification: Likely benign. Last evaluated: 2024-10-28. Review status: criteria provided, single submitter. Criteria: ACMG Guidelines, 2015. Collection method: clinical testing. Allele origin: germline.

Ambry Genetics
Classification: Likely benign for Inborn genetic diseases. Last evaluated: 2018-06-20. Review status: criteria provided, single submitter. Criteria: Ambry Variant Classification Scheme 2023. Collection method: clinical testing. Allele origin: germline.

Illumina Laboratory Services, Illumina
Classification: Benign for Charcot-Marie-Tooth disease axonal type 2O. Last evaluated: 2017-04-28. Review status: criteria provided, single submitter. Criteria: ICSL Variant Classification Criteria 13 December 2019. Collection method: clinical testing. Allele origin: germline.
Comment: This variant was observed in the ICSL laboratory as part of a predisposition screen in an ostensibly healthy population. It had not been previously curated by ICSL or reported in the Human Gene Mutation Database (HGMD: prior to June 1st, 2018), and was therefore a candidate for classification through an automated scoring system. Utilizing variant allele frequency, disease prevalence and penetrance estimates, and inheritance mode, an automated score was calculated to assess if this variant is too frequent to cause the disease. Based on the score and internal cut-off values, a variant classified as benign is not then subjected to further curation. The score for this variant resulted in a classification of benign for this disease.

Illumina Laboratory Services, Illumina
Classification: Benign for Spinocerebellar Ataxia, Dominant. Last evaluated: 2017-04-28. Review status: criteria provided, single submitter. Criteria: ICSL Variant Classification Criteria 13 December 2019. Collection method: clinical testing. Allele origin: germline.
Comment: the same text as in the submission from Illumina Laboratory Services, Illumina above.

GeneDx
Classification: Benign. Last evaluated: 2016-11-03. Review status: criteria provided, single submitter. Criteria: GeneDx Variant Classification (06012015). Collection method: clinical testing. Allele origin: germline. Affected: yes.
Comment: This variant is considered likely benign or benign based on one or more of the following criteria: it is a conservative change, it occurs at a poorly conserved position in the protein, it is predicted to be benign by multiple in silico algorithms, and/or has population frequency not consistent with disease.

Genetic Services Laboratory, University of Chicago
Classification: Likely benign. Last evaluated: 2016-03-22. Review status: criteria provided, single submitter. Criteria: ACMG Guidelines, 2015. Collection method: clinical testing. Allele origin: germline. Affected: no.

Breakthrough Genomics
Classification: Likely benign. Review status: criteria provided, single submitter. Criteria: ACMG Guidelines, 2015. Collection method: not provided. Allele origin: germline. Inheritance: Autosomal dominant inheritance. Affected: yes.

Center for Genomics, Ann and Robert H. Lurie Children's Hospital of Chicago
Classification: Likely benign for Charcot-Marie-Tooth disease axonal type 2O; Autosomal dominant childhood-onset proximal spinal muscular atrophy without contractures; Cortical dysplasia, complex, with other brain malformations 13. Review status: criteria provided, single submitter. Criteria: ACMG Guidelines, 2015. Collection method: clinical testing. Allele origin: germline.
Comment: This variant has not been reported in the literature but is present in the Genome Aggregation Database (Highest reported MAF 0.8% (174/19950). This variant is present in ClinVar, with several labs classifying this variant as Likely benign or Benign (Variation ID:210869). Evolutionary conservation and computational predictive tools for this variant are limited or unavailable. Of note, this variant alters the consensus splice sequence (+/- 1,2) which may result in an absent or abnormal protein. However, further studies are needed to understand its impact. In summary, data on this variant suggests that this variant does not cause disease but requires further evidence. Therefore, this variant is classified as likely benign

Molecular Genetics Laboratory, London Health Sciences Centre
Classification: Likely benign for Charcot-Marie-Tooth disease. Review status: criteria provided, single submitter. Criteria: ACMG Guidelines, 2015. Collection method: clinical testing. Allele origin: germline. Affected: yes.

NM_001376.5(DYNC1H1):c.4395+2C>T

Gene: DYNC1H1 (dynein cytoplasmic 1 heavy chain 1; plus strand). Cytogenetic location: 14q32.31.
Variant type: single nucleotide variant.
Coding change: c.4395+2C>T on transcript NM_001376.5 (MANE Select); the canonical splice donor site of the intron after coding-DNA position 4395, C replaced by T.
Molecular consequence: splice donor variant.
Genome position (GRCh38, 1-based): chr14:102,001,356, C>T. VCF-style: chr14-102001356-C-T. GRCh37 (hg19) VCF-style: chr14-102467693-C-T.
Identifiers: ClinVar variation 210869 (VCV000210869.35), dbSNP rs192594531, ClinGen allele CA208006.